The following is an entry in ClinVar:

NM_024753.5(TTC21B):c.1711C>T (p.Gln571Ter)

Gene: TTC21B (tetratricopeptide repeat domain 21B; minus strand). Cytogenetic location: 2q24.3.
Variant type: single nucleotide variant.
Coding change: c.1711C>T on transcript NM_024753.5 (MANE Select); coding-DNA position 1711, C replaced by T.
Protein change: p.Gln571Ter; replaces glutamine 571 with a stop codon.
Molecular consequence: nonsense.
Genome position (GRCh38, 1-based): chr2:165,917,445, G>A on the plus strand (C>T on the coding strand, the complement: TTC21B is on the minus strand). VCF-style: chr2-165917445-G-A. GRCh37 (hg19) VCF-style: chr2-166773955-G-A.
Other names: short protein forms Q571*.
Identifiers: ClinVar variation 4991048 (VCV004991048.1).

ClinVar aggregate classification (germline): Likely pathogenic (1 of 4 stars; one submission).

Conditions:
TTC21B-related disorder. Also called: TTC21B-related disorders; TTC21B-related condition.

gnomAD v4.1: 1 of 1,613,762 alleles (0.000062%); highest among the groups gnomAD compares: African/African-American, 0.0013%; no homozygotes.

Submission:

PreventionGenetics, part of Exact Sciences
Classification: Likely pathogenic for TTC21B-related condition. Last evaluated: 2025-09-09. Review status: criteria provided, single submitter. Criteria: ACMG Guidelines, 2015. Collection method: clinical testing. Allele origin: germline.
Comment: The TTC21B c.1711C>T variant is predicted to result in premature protein termination (p.Gln571*). To our knowledge, this variant has not been reported in the literature or in a large population database, indicating this variant is rare. Nonsense variants in TTC21B are expected to be pathogenic. This variant is interpreted as likely pathogenic.